The following is an entry in ClinVar:

NM_000038.6(APC):c.85G>C (p.Asp29His)

Gene: APC (APC regulator of Wnt signaling pathway; plus strand). Cytogenetic location: 5q22.2.
Variant type: single nucleotide variant.
Coding change: c.85G>C on transcript NM_000038.6 (MANE Select); coding-DNA position 85, G replaced by C.
Protein change: p.Asp29His; replaces aspartic acid 29 with histidine.
Molecular consequence: missense variant. On other transcripts: 5 prime UTR variant (4), intron variant (11), non-coding transcript variant (2).
Genome position (GRCh38, 1-based): chr5:112,754,975, G>C. VCF-style: chr5-112754975-G-C. GRCh37 (hg19) VCF-style: chr5-112090672-G-C.
Other names: c.85G>C, p.Asp29His (NM_001407457.1, NM_001407458.1, NM_001407459.1 and 16 more transcripts); c.-951G>C (NM_001407470.1, NM_001407471.1, NM_001407472.1 and 1 more transcripts); c.166-11351G>C (NM_001407446.1, NM_001354897.2, NM_001354902.2 and 1 more transcripts); c.-42-11351G>C (NM_001407453.1, NM_001354900.2, NM_001354901.2 and 1 more transcripts); c.61-11351G>C (NM_001407451.1, NM_001354898.2, NM_001354904.2); short protein forms D29H.
Identifiers: ClinVar variation 4801429 (VCV004801429.1).

ClinVar aggregate classification (germline): Uncertain significance (1 of 4 stars; one submission).

Conditions:
Familial adenomatous polyposis 1 (FAP1). Also called: FAMILIAL ADENOMATOUS POLYPOSIS 1, ATTENUATED; POLYPOSIS, ADENOMATOUS INTESTINAL. Identifiers: MedGen C2713442, MONDO:0021056, OMIM 175100. Disease mechanism: loss of function.

Submission:

Labcorp Genetics (formerly Invitae), Labcorp
Classification: Uncertain significance for Familial adenomatous polyposis 1. Last evaluated: 2025-07-08. Review status: criteria provided, single submitter. Criteria: Invitae Variant Classification Sherloc (09022015). Collection method: clinical testing. Allele origin: germline.
Comment: This sequence change replaces aspartic acid, which is acidic and polar, with histidine, which is basic and polar, at codon 29 of the APC protein (p.Asp29His). This variant is not present in population databases (gnomAD no frequency). This variant has not been reported in the literature in individuals affected with APC-related conditions. Invitae Evidence Modeling of protein sequence and biophysical properties (such as structural, functional, and spatial information, amino acid conservation, physicochemical variation, residue mobility, and thermodynamic stability) indicates that this missense variant is not expected to disrupt APC protein function with a negative predictive value of 95%. In summary, the available evidence is currently insufficient to determine the role of this variant in disease. Therefore, it has been classified as a Variant of Uncertain Significance.